The following is an entry in ClinVar:

ClinVar aggregate classification (germline): Pathogenic (1 of 4 stars; one submission).

Conditions:
Metachromatic leukodystrophy (MLD). Also called: ARSA DEFICIENCY; CEREBROSIDE SULFATASE DEFICIENCY; METACHROMATIC LEUKOENCEPHALOPATHY; Cerebral sclerosis diffuse metachromatic form; Arylsulfatase A Deficiency; SULFATIDE LIPIDOSIS. Identifiers: Orphanet 512, MedGen C0023522, MONDO:0018868, OMIM 250100.

Submission:

Myriad Genetics, Inc.
Classification: Pathogenic for Metachromatic leukodystrophy. Last evaluated: 2025-11-11. Review status: criteria provided, single submitter. Criteria: Myriad Autosomal Dominant, Autosomal Recessive and X-Linked Classification Criteria (2023). Collection method: clinical testing. Allele origin: unknown.
Comment: NM_000487.5(ARSA):c.292delTinsCC(S98Pfs*36) is a frameshift variant classified as pathogenic in the context of metachromatic leukodystrophy. S98Pfs*36 has been observed in a case with relevant disease (PMID: 26131420). Relevant functional assessments of this variant are not available in the literature. S98Pfs*36 has not been observed in referenced population frequency databases. In summary, NM_000487.5(ARSA):c.292delTinsCC(S98Pfs*36) is a frameshift variant in a gene where loss of function is a known mechanism of disease, is predicted to disrupt protein function, and has been observed more frequently in cases with the relevant disease than in healthy populations. Please note: this variant was assessed in the context of healthy population screening.

Literature cited by the submitters: PubMed 26131420.

NM_000487.6(ARSA):c.292delinsCC (p.Ser98fs)

Gene: ARSA (arylsulfatase A; minus strand). Cytogenetic location: 22q13.33.
Variant type: Indel.
Coding change: c.292delinsCC on transcript NM_000487.6 (MANE Select); coding-DNA position 292, T replaced by CC.
Protein change: p.Ser98fs; shifts the reading frame from serine 98.
Molecular consequence: frameshift variant.
Genome position (GRCh38, 1-based): chr22:50,627,339, A replaced by GG on the plus strand (T replaced by CC on the coding strand, the reverse complement: ARSA is on the minus strand). VCF-style: chr22-50627339-A-GG. GRCh37 (hg19) VCF-style: chr22-51065767-A-GG.
Other names: c.292delinsCC, p.Ser98fs (NM_001085425.3, NM_001085426.3, NM_001085427.3); c.34delinsCC, p.Ser12fs (NM_001085428.3, NM_001362782.2); short protein forms S12fs, S98fs.
Identifiers: ClinVar variation 5004940 (VCV005004940.1).
Genomic context (GRCh38, chr22:50,627,339, plus strand): 5'-AGCCTCGGGCAGCCAGGACTTCGGCCACGGTCACCTCCTCCAGGGGCAGGCCCCCCCGGG[A>GG]GCTGGGCACCAGGACGCCAGGGTACATGCCCATCCGAACCGGGAGCCGGCCGGTCAGGAG-3'